The following is an entry in ClinVar:

ClinVar aggregate classification (germline): Likely pathogenic (1 of 4 stars; one submission).

Submission:

GeneDx
Classification: Likely pathogenic. Last evaluated: 2026-02-12. Review status: criteria provided, single submitter. Criteria: GeneDx Variant Classification Process June 2021. Collection method: clinical testing. Allele origin: germline.
Comment: Observed as heterozygous in patients with hereditary spherocytosis referred for testing at GeneDx and in published literature (PMID: 39378964); In silico analysis supports that this missense variant has a deleterious effect on protein structure/function; Not observed at significant frequency in large population cohorts (gnomAD); This variant is associated with the following publications: (PMID: Gupta2016 [poster], 39378964, 29483102)

NM_000342.4(SLC4A1):c.2173A>G (p.Ser725Gly)

Gene: SLC4A1 (solute carrier family 4 member 1 (Diego blood group); minus strand). Cytogenetic location: 17q21.31.
Variant type: single nucleotide variant.
Coding change: c.2173A>G on transcript NM_000342.4 (MANE Select); coding-DNA position 2173, A replaced by G.
Protein change: p.Ser725Gly; replaces serine 725 with glycine.
Molecular consequence: missense variant.
Genome position (GRCh38, 1-based): chr17:44,253,256, T>C on the plus strand (A>G on the coding strand, the complement: SLC4A1 is on the minus strand). VCF-style: chr17-44253256-T-C. GRCh37 (hg19) VCF-style: chr17-42330624-T-C.
Other names: short protein forms S725G.
Identifiers: ClinVar variation 4975195 (VCV004975195.1).